The following is an entry in ClinVar:

ClinVar aggregate classification (germline): Uncertain significance (1 of 4 stars; one submission).

Conditions:
Porokeratosis 3, disseminated superficial actinic type (POROK3). Also called: POROKERATOSIS, DISSEMINATED SUPERFICIAL ACTINIC, 1; POROKERATOSIS 3, MIBELLI TYPE; POROKERATOSIS 3, MULTIPLE TYPES. Identifiers: MedGen C1867981, MONDO:0008293, OMIM 175900.
Hyperimmunoglobulin D with periodic fever (HIDS). Also called: HYPERIMMUNOGLOBULINEMIA D AND PERIODIC FEVER SYNDROME; Hyperimmunoglobulinemia D; Hyperimmunoglobulinemia D with periodic fever. Identifiers: Orphanet 343, MedGen C0398691, MONDO:0009849, OMIM 260920.
Mevalonic aciduria (MEVA). Identifiers: Orphanet 29, MedGen C1959626, MONDO:0012481, OMIM 610377.

Submission:

Labcorp Genetics (formerly Invitae), Labcorp
Classification: Uncertain significance for Mevalonic aciduria; Hyperimmunoglobulin D with periodic fever; Porokeratosis 3, disseminated superficial actinic type. Last evaluated: 2022-03-13. Review status: criteria provided, single submitter. Criteria: Invitae Variant Classification Sherloc (09022015). Collection method: clinical testing. Allele origin: germline.
Comment: This variant has not been reported in the literature in individuals affected with MVK-related conditions. This variant is not present in population databases (gnomAD no frequency). This sequence change replaces glycine, which is neutral and non-polar, with aspartic acid, which is acidic and polar, at codon 333 of the MVK protein (p.Gly333Asp). Advanced modeling of protein sequence and biophysical properties (such as structural, functional, and spatial information, amino acid conservation, physicochemical variation, residue mobility, and thermodynamic stability) performed at Invitae indicates that this missense variant is expected to disrupt MVK protein function. In summary, the available evidence is currently insufficient to determine the role of this variant in disease. Therefore, it has been classified as a Variant of Uncertain Significance.

NM_000431.4(MVK):c.998G>A (p.Gly333Asp)

Gene: MVK (mevalonate kinase; plus strand). Cytogenetic location: 12q24.11.
Variant type: single nucleotide variant.
Coding change: c.998G>A on transcript NM_000431.4 (MANE Select); coding-DNA position 998, G replaced by A.
Protein change: p.Gly333Asp; replaces glycine 333 with aspartic acid.
Molecular consequence: missense variant.
Genome position (GRCh38, 1-based): chr12:109,595,140, G>A. VCF-style: chr12-109595140-G-A. GRCh37 (hg19) VCF-style: chr12-110032945-G-A.
Other names: c.998G>A, p.Gly333Asp (NM_001114185.3, NM_001414511.1, NM_001414513.1); c.842G>A, p.Gly281Asp (NM_001301182.2, NM_001414514.1); c.1073G>A, p.Gly358Asp (NM_001414512.1); c.416G>A, p.Gly139Asp (NM_001414515.1); short protein forms G281D, G139D, G333D, G358D.
Identifiers: ClinVar variation 2110896 (VCV002110896.4), dbSNP rs2548641357, ClinGen allele CA386650872.